The following is an entry in ClinVar:

NM_139076.3(ABRAXAS1):c.1057G>A (p.Asp353Asn)

Gene: ABRAXAS1 (abraxas 1, BRCA1 A complex subunit; minus strand). Cytogenetic location: 4q21.23.
Variant type: single nucleotide variant.
Coding change: c.1057G>A on transcript NM_139076.3 (MANE Select); coding-DNA position 1057, G replaced by A.
Protein change: p.Asp353Asn; replaces aspartic acid 353 with asparagine.
Molecular consequence: missense variant.
Genome position (GRCh38, 1-based): chr4:83,462,642, C>T on the plus strand (G>A on the coding strand, the complement: ABRAXAS1 is on the minus strand). VCF-style: chr4-83462642-C-T. GRCh37 (hg19) VCF-style: chr4-84383795-C-T.
Other names: c.730G>A, p.Asp244Asn (NM_001345962.2); short protein forms D353N, D244N.
Identifiers: ClinVar variation 660032 (VCV000660032.8), dbSNP rs1578122280, ClinGen allele CA357255328.

ClinVar aggregate classification (germline): Uncertain significance (1 of 4 stars; one submission).

Submission:

Labcorp Genetics (formerly Invitae), Labcorp
Classification: Uncertain significance. Last evaluated: 2018-12-15. Review status: criteria provided, single submitter. Criteria: Invitae Variant Classification Sherloc (09022015). Collection method: clinical testing. Allele origin: germline.
Comment: This sequence change replaces aspartic acid with asparagine at codon 353 of the ABRAXAS1 protein (p.Asp353Asn). The aspartic acid residue is moderately conserved and there is a small physicochemical difference between aspartic acid and asparagine. This variant is not present in population databases (ExAC no frequency). This variant has not been reported in the literature in individuals with ABRAXAS1-related conditions. Algorithms developed to predict the effect of missense changes on protein structure and function output the following: SIFT: "Tolerated"; PolyPhen-2: "Benign"; Align-GVGD: "Class C0". The asparagine amino acid residue is found in multiple mammalian species, suggesting that this missense change does not adversely affect protein function. These predictions have not been confirmed by published functional studies and their clinical significance is uncertain. In summary, the available evidence is currently insufficient to determine the role of this variant in disease. Therefore, it has been classified as a Variant of Uncertain Significance.